The following is an entry in ClinVar:

NM_001353921.2(ARHGEF9):c.1084A>T (p.Ile362Phe)

Gene: ARHGEF9 (Cdc42 guanine nucleotide exchange factor 9; minus strand). Cytogenetic location: Xq11.1.
Variant type: single nucleotide variant.
Coding change: c.1084A>T on transcript NM_001353921.2 (MANE Select); coding-DNA position 1084, A replaced by T.
Protein change: p.Ile362Phe; replaces isoleucine 362 with phenylalanine.
Molecular consequence: missense variant. On other transcripts: intron variant (2).
Genome position (GRCh38, 1-based): chrX:63,655,731, T>A on the plus strand (A>T on the coding strand, the complement: ARHGEF9 is on the minus strand). VCF-style: chrX-63655731-T-A. GRCh37 (hg19) VCF-style: chrX-62875611-T-A.
Other names: c.904A>T, p.Ile302Phe (NM_001173479.2); c.757A>T, p.Ile253Phe (NM_001173480.2, NM_001369042.1); c.1000A>T, p.Ile334Phe (NM_001330495.2, NM_001369033.1, NM_001369034.1 and 4 more transcripts); c.952A>T, p.Ile318Phe (NM_001353922.2); c.1102A>T, p.Ile368Phe (NM_001353923.1); c.883A>T, p.Ile295Phe (NM_001353924.2, NM_001353926.2, NM_001369039.1 and 1 more transcripts); c.868A>T, p.Ile290Phe (NM_001353927.2, NM_001369041.1); c.931A>T, p.Ile311Phe (NM_001353928.2); and 3 more; short protein forms I302F, I318F, I173F, I295F, I253F, I334F, I368F, I290F.
Identifiers: ClinVar variation 1780956 (VCV001780956.3), dbSNP rs2048833289, ClinGen allele CA413404827.

ClinVar aggregate classification (germline): Uncertain significance. Review status: criteria provided, multiple submitters, no conflicts (2 of 4 stars). 2 submissions from 2 submitters: Uncertain significance (2). Last evaluated 2024-11-19.

Conditions:
Inborn genetic diseases. Identifiers: MedGen C0950123, MeSH D030342.

Allele frequency attached by ClinVar (database versions not stated): gnomAD exomes below 0.00001; TOPMed below 0.00001; gnomAD 0.00001.
gnomAD v4.1: 2 of 1,206,374 alleles (0.00017%); highest among the groups gnomAD compares: Non-Finnish European, 0.00022%; no homozygotes.

Submissions (2):

Blueprint Genetics
Classification: Uncertain significance. Last evaluated: 2024-11-19. Review status: criteria provided, single submitter. Criteria: ACMG Guidelines, 2015. Collection method: clinical testing. Allele origin: germline.

Ambry Genetics
Classification: Uncertain significance for Inborn genetic diseases. Last evaluated: 2019-04-11. Review status: criteria provided, single submitter. Criteria: Ambry Variant Classification Scheme 2023. Collection method: clinical testing. Allele origin: germline.
Comment: The p.I355F variant (also known as c.1063A>T), located in coding exon 8 of the ARHGEF9 gene, results from an A to T substitution at nucleotide position 1063. The isoleucine at codon 355 is replaced by phenylalanine, an amino acid with highly similar properties. This amino acid position is highly conserved in available vertebrate species. In addition, the in silico prediction for this alteration is inconclusive. Since supporting evidence is limited at this time, the clinical significance of this alteration remains unclear.